The following is an entry in ClinVar:

ClinVar aggregate classification (germline): Benign/Likely benign. Review status: criteria provided, multiple submitters, no conflicts (2 of 4 stars). 5 submissions from 5 submitters: Benign (1); Likely benign (4). Last evaluated 2026-01-19.

Conditions:
Arrhythmogenic cardiomyopathy with wooly hair and keratoderma. Also called: Arrhythmogenic cardiomyopathy with woolly hair and keratoderma; Carvajal syndrome; PALMOPLANTAR KERATODERMA WITH LEFT VENTRICULAR CARDIOMYOPATHY AND WOOLLY HAIR; Dilated cardiomyopathy with woolly hair and keratoderma. Identifiers: Orphanet 65282, MedGen C1854063, MONDO:0011581, OMIM 605676.
Arrhythmogenic right ventricular dysplasia 8 (ARVD8). Also called: Arrhythmogenic Right Ventricular Dysplasia/Cardiomyopathy 8; ARRHYTHMOGENIC RIGHT VENTRICULAR DYSPLASIA, FAMILIAL, 8; ARRHYTHMOGENIC RIGHT VENTRICULAR CARDIOMYOPATHY 8. Identifiers: MedGen C1843896, MONDO:0011831, OMIM 607450.
Cardiomyopathy (CMYO). Also called: Cardiomyopathies. Identifiers: Orphanet 167848, MedGen C0878544, MONDO:0004994, HP:0001638. Inheritance: Various modes of inheritance.
Cardiovascular phenotype. Identifiers: MedGen CN230736.

Allele frequency attached by ClinVar (database versions not stated): gnomAD exomes below 0.00001; gnomAD 0.00001; TOPMed 0.00001.

Submissions (5):

Labcorp Genetics (formerly Invitae), Labcorp
Classification: Benign for Arrhythmogenic cardiomyopathy with wooly hair and keratoderma; Arrhythmogenic right ventricular dysplasia 8. Last evaluated: 2026-01-19. Review status: criteria provided, single submitter. Criteria: Invitae Variant Classification Sherloc (09022015). Collection method: clinical testing. Allele origin: germline.

CeGaT Center for Human Genetics Tuebingen
Classification: Likely benign. Last evaluated: 2025-11-01. Review status: criteria provided, single submitter. Criteria: CeGaT Center For Human Genetics Tuebingen Variant Classification Criteria Version 2. Collection method: clinical testing. Allele origin: germline. Affected: yes. Observed: 1 variant allele.
Comment: DSP: BP4, BP7

All of Us Research Program, National Institutes of Health
Classification: Likely benign for Arrhythmogenic cardiomyopathy with wooly hair and keratoderma. Last evaluated: 2024-08-23. Review status: criteria provided, single submitter. Criteria: ACMG Guidelines, 2015. Collection method: clinical testing. Allele origin: germline. Inheritance: Autosomal dominant inheritance. Observed: 1 variant allele, 1 heterozygote.
Comment: This study involves interpretation of variants in research participants for the purpose of population health screening. Participant phenotype was not available at the time of variant classification. Additional details can be found in publication PMID: 35346344, PMCID: PMC8962531

Ambry Genetics
Classification: Likely benign for Cardiovascular phenotype. Last evaluated: 2022-10-30. Review status: criteria provided, single submitter. Criteria: Ambry Variant Classification Scheme 2023. Collection method: clinical testing. Allele origin: germline.

Color Diagnostics, LLC DBA Color Health
Classification: Likely benign for Cardiomyopathy. Last evaluated: 2019-05-13. Review status: criteria provided, single submitter. Criteria: ACMG Guidelines, 2015. Collection method: clinical testing. Allele origin: germline.

NM_004415.4(DSP):c.8169C>T (p.Gly2723=)

Gene: DSP (desmoplakin; plus strand). Cytogenetic location: 6p24.3.
Variant type: single nucleotide variant.
Coding change: c.8169C>T on transcript NM_004415.4 (MANE Select); coding-DNA position 8169, C replaced by T.
Protein change: p.Gly2723=; no amino-acid change (glycine 2723 retained).
Molecular consequence: synonymous variant.
Genome position (GRCh38, 1-based): chr6:7,585,431, C>T. VCF-style: chr6-7585431-C-T. GRCh37 (hg19) VCF-style: chr6-7585664-C-T.
Other names: c.6372C>T, p.Gly2124= (NM_001008844.3); c.6840C>T, p.Gly2280= (NM_001319034.2).
Identifiers: ClinVar variation 924931 (VCV000924931.12), dbSNP rs1259495339, ClinGen allele CA448717188.